The following is an entry in ClinVar:

ClinVar aggregate classification (germline): Uncertain significance (1 of 4 stars; one submission).

Submission:

GeneDx
Classification: Uncertain significance. Last evaluated: 2025-05-22. Review status: criteria provided, single submitter. Criteria: GeneDx Variant Classification Process June 2021. Collection method: clinical testing. Allele origin: germline. Affected: yes.
Comment: Not observed at significant frequency in large population cohorts (gnomAD); In silico analysis supports that this missense variant has a deleterious effect on protein structure/function; Has not been previously published as pathogenic or benign to our knowledge

NM_000742.4(CHRNA2):c.427C>A (p.Pro143Thr)

Gene: CHRNA2 (cholinergic receptor nicotinic alpha 2 subunit; minus strand). Cytogenetic location: 8p21.2.
Variant type: single nucleotide variant.
Coding change: c.427C>A on transcript NM_000742.4 (MANE Select); coding-DNA position 427, C replaced by A.
Protein change: p.Pro143Thr; replaces proline 143 with threonine.
Molecular consequence: missense variant. On other transcripts: 5 prime UTR variant (4).
Genome position (GRCh38, 1-based): chr8:27,467,251, G>T on the plus strand (C>A on the coding strand, the complement: CHRNA2 is on the minus strand). VCF-style: chr8-27467251-G-T. GRCh37 (hg19) VCF-style: chr8-27324768-G-T.
Other names: c.382C>A, p.Pro128Thr (NM_001282455.2); c.-46C>A (NM_001347705.2, NM_001347706.2); c.-32C>A (NM_001347707.2); c.-35C>A (NM_001347708.2); short protein forms P128T, P143T.
Identifiers: ClinVar variation 4531006 (VCV004531006.1).